The following is an entry in ClinVar:

ClinVar aggregate classification (germline): Uncertain significance. Review status: criteria provided, multiple submitters, no conflicts (2 of 4 stars). 2 submissions from 2 submitters: Uncertain significance (2). Last evaluated 2021-08-01.

Conditions:
Hereditary sensory and autonomic neuropathy type 6. Also called: Neuropathy, hereditary sensory and autonomic, type VI; HSAN VI. Identifiers: Orphanet 314381, MedGen C3539003, MONDO:0013839, OMIM 614653.
Epidermolysis bullosa simplex 3, localized or generalized intermediate, with BP230 deficiency (EBS3). Also called: Epidermolysis bullosa simplex, autosomal recessive 2; Epidermolysis bullosa simplex due to BP230 deficiency. Identifiers: Orphanet 412181, MedGen C3809470, MONDO:0014180, OMIM 615425.

Allele frequency attached by ClinVar (database versions not stated): gnomAD exomes below 0.00001.
gnomAD v4.1: 2 of 1,535,780 alleles (0.00013%); highest among the groups gnomAD compares: Non-Finnish European, 0.00017%; no homozygotes.

Submissions (2):

CeGaT Center for Human Genetics Tuebingen
Classification: Uncertain significance. Last evaluated: 2021-08-01. Review status: criteria provided, single submitter. Criteria: CeGaT Center For Human Genetics Tuebingen Variant Classification Criteria Version 2. Collection method: clinical testing. Allele origin: germline. Affected: yes. Observed: 1 variant allele.

Labcorp Genetics (formerly Invitae), Labcorp
Classification: Uncertain significance for Epidermolysis bullosa simplex 3, localized or generalized intermediate, with BP230 deficiency; Hereditary sensory and autonomic neuropathy type 6. Last evaluated: 2019-05-08. Review status: criteria provided, single submitter. Criteria: Invitae Variant Classification Sherloc (09022015). Collection method: clinical testing. Allele origin: germline.
Comment: This variant has not been reported in the literature in individuals with DST-related conditions. This variant is not present in population databases (ExAC no frequency). This sequence change replaces serine with phenylalanine at codon 1450 of the DST protein (p.Ser1450Phe). The serine residue is highly conserved and there is a large physicochemical difference between serine and phenylalanine. The DST gene has multiple clinically relevant transcripts. The p.Ser1450Phe variant occurs in alternate transcript NM_015548.4, which corresponds to c.*21346C>T in NM_001723.5, the primary transcript listed in the Methods. Algorithms developed to predict the effect of missense changes on protein structure and function are either unavailable or do not agree on the potential impact of this missense change (SIFT: "Deleterious"; PolyPhen-2: "Not Available"; Align-GVGD: "Class C15"). In summary, the available evidence is currently insufficient to determine the role of this variant in disease. Therefore, it has been classified as a Variant of Uncertain Significance.

NM_001374736.1(DST):c.12218C>T (p.Ser4073Phe)

Gene: DST (dystonin; minus strand). Cytogenetic location: 6p12.1.
Variant type: single nucleotide variant.
Coding change: c.12218C>T on transcript NM_001374736.1 (MANE Select); coding-DNA position 12218, C replaced by T.
Protein change: p.Ser4073Phe; replaces serine 4073 with phenylalanine.
Molecular consequence: missense variant.
Genome position (GRCh38, 1-based): chr6:56,594,171, G>A on the plus strand (C>T on the coding strand, the complement: DST is on the minus strand). VCF-style: chr6-56594171-G-A. GRCh37 (hg19) VCF-style: chr6-56458969-G-A.
Other names: c.5861C>T, p.Ser1954Phe (NM_001144769.5); c.5447C>T, p.Ser1816Phe (NM_001144770.2); c.12218C>T, p.Ser4073Phe (NM_001374722.1); c.11585C>T, p.Ser3862Phe (NM_001374729.1); c.5327C>T, p.Ser1776Phe (NM_001374730.1, NM_183380.4); c.12245C>T, p.Ser4082Phe (NM_001374734.1); c.4349C>T, p.Ser1450Phe (NM_015548.5); short protein forms S1954F, S4082F, S1450F, S1776F, S3862F, S4073F, S1816F.
Identifiers: ClinVar variation 965083 (VCV000965083.42), dbSNP rs1277292455, ClinGen allele CA364527277.